The following is an entry in ClinVar:

ClinVar aggregate classification (germline): Uncertain significance (1 of 4 stars; one submission).

Conditions:
Nephronophthisis. Also called: Juvenile Nephronophthisis. Identifiers: Orphanet 655, MedGen C0687120, MONDO:0019005, HP:0000090.

Allele frequency attached by ClinVar (database versions not stated): gnomAD 0.00003; TOPMed 0.00003; ExAC 0.00006; gnomAD exomes 0.00006; ESP Exome Variant Server 0.00010.
gnomAD v4.1: 87 of 1,520,440 alleles (0.0057%); highest among the groups gnomAD compares: Non-Finnish European, 0.0075%; no homozygotes.

Submission:

Labcorp Genetics (formerly Invitae), Labcorp
Classification: Uncertain significance for Nephronophthisis. Last evaluated: 2022-02-08. Review status: criteria provided, single submitter. Criteria: Invitae Variant Classification Sherloc (09022015). Collection method: clinical testing. Allele origin: germline.
Comment: This sequence change replaces proline, which is neutral and non-polar, with leucine, which is neutral and non-polar, at codon 57 of the NPHP3 protein (p.Pro57Leu). This variant is present in population databases (rs376930006, gnomAD 0.008%). This variant has not been reported in the literature in individuals affected with NPHP3-related conditions. Algorithms developed to predict the effect of missense changes on protein structure and function are either unavailable or do not agree on the potential impact of this missense change (SIFT: "Deleterious"; PolyPhen-2: "Benign"; Align-GVGD: "Class C0"). In summary, the available evidence is currently insufficient to determine the role of this variant in disease. Therefore, it has been classified as a Variant of Uncertain Significance.

NM_153240.5(NPHP3):c.170C>T (p.Pro57Leu)

Genes: NPHP3 (nephrocystin 3; minus strand), NPHP3-ACAD11 (NPHP3-ACAD11 readthrough (NMD candidate); minus strand), NPHP3-AS1 (NPHP3 antisense RNA 1; plus strand), LOC129937586 (ATAC-STARR-seq lymphoblastoid silent region 14743; plus strand). Cytogenetic location: 3q22.1.
Variant type: single nucleotide variant.
Coding change: c.170C>T on transcript NM_153240.5 (MANE Select); coding-DNA position 170, C replaced by T.
Protein change: p.Pro57Leu; replaces proline 57 with leucine.
Molecular consequence: missense variant. On other transcripts: non-coding transcript variant (3).
Genome position (GRCh38, 1-based): chr3:132,722,186, G>A on the plus strand (C>T on the coding strand, the complement: NPHP3 is on the minus strand). VCF-style: chr3-132722186-G-A. GRCh37 (hg19) VCF-style: chr3-132441030-G-A.
Other names: short protein forms P57L.
Identifiers: ClinVar variation 2193951 (VCV002193951.2), dbSNP rs376930006, ClinGen allele CA2622694.
Genomic context (GRCh38, chr3:132,722,186, plus strand): 5'-GTGGACTTGAAGCTGGCCCCCAGCAGCCCGCCCGCGCCCACCCCGCGGGGCAGCGACCCG[G>A]GCCCGGCCCCTGCTGCCGCCCCCGCGCCTCGGCGGAACGAGTTGCGCAGCAGGCGGGCCT-3'
Protein context (NP_694972.3, residues 47-67): RGAGAAAGAG[Pro57Leu]GSLPRGVGAG